The following is an entry in ClinVar:

ClinVar aggregate classification (germline): Likely pathogenic (1 of 4 stars; one submission).

Conditions:
Mucopolysaccharidosis, MPS-II (MPS2). Also called: Hunter Syndrome; IDURONATE 2-SULFATASE DEFICIENCY; Mucopolysaccharidosis Type II; Mucopolysaccharidosis type 2; Attenuated MPS (subtype; formerly known as mild MPS II); Severe MPS II. Identifiers: Orphanet 580, Orphanet 79388, MedGen C0026705, MONDO:0010674, OMIM 309900.

Submission:

Laboratory of Diagnosis and Therapy of Lysosomal Disorders, University of Padova
Classification: Likely pathogenic for Mucopolysaccharidosis, MPS-II. Last evaluated: 2024-06-07. Review status: criteria provided, single submitter. Criteria: ACMG Guidelines, 2015. Collection method: literature only. Allele origin: germline. Affected: yes. Observed: 1 variant allele.
Comment: Located in a mutational hot spot and/or critical functional domain (PM1_Moderate), Absent from controls (or at low frequency) in gnomAD database (PM2_Moderate), Missense change at the same amino acid residue as a pathogenic variant (PM5_Moderate), Missense variant in a gene with a low rate of benign missense variation (PP2_Supporting), Multiple lines of computational evidence support a deleterious effect (PP3_Supporting), Patient’s phenotype or family history highly specific for the disease (PP4_Moderate)

Classification method: ACMG Guidelines [PMID:25741868] with modifications

Literature cited by the submitters: PubMed 24125893.

NM_000202.8(IDS):c.1000G>T (p.Asp334Tyr)

Genes: IDS (iduronate 2-sulfatase; minus strand), LOC106050102 (IDS recombination region; plus strand). Cytogenetic location: Xq28.
Variant type: single nucleotide variant.
Coding change: c.1000G>T on transcript NM_000202.8 (MANE Select); coding-DNA position 1000, G replaced by T.
Protein change: p.Asp334Tyr; replaces aspartic acid 334 with tyrosine.
Molecular consequence: missense variant. On other transcripts: non-coding transcript variant (1).
Genome position (GRCh38, 1-based): chrX:149,490,320, C>A on the plus strand (G>T on the coding strand, the complement: IDS is on the minus strand). VCF-style: chrX-149490320-C-A. GRCh37 (hg19) VCF-style: chrX-148571851-C-A.
Other names: c.730G>T, p.Asp244Tyr (NM_001166550.4); c.1000G>T, p.Asp334Tyr (NM_006123.5); short protein forms D244Y, D334Y.
Identifiers: ClinVar variation 3255899 (VCV003255899.2).